The following is an entry in ClinVar:

ClinVar aggregate classification (germline): Uncertain significance (1 of 4 stars; one submission).

Submission:

Labcorp Genetics (formerly Invitae), Labcorp
Classification: Uncertain significance. Last evaluated: 2024-12-22. Review status: criteria provided, single submitter. Criteria: Invitae Variant Classification Sherloc (09022015). Collection method: clinical testing. Allele origin: germline.
Comment: This sequence change replaces leucine, which is neutral and non-polar, with phenylalanine, which is neutral and non-polar, at codon 637 of the MYLK3 protein (p.Leu637Phe). This variant is not present in population databases (gnomAD no frequency). This variant has not been reported in the literature in individuals affected with MYLK3-related conditions. An algorithm developed to predict the effect of missense changes on protein structure and function (PolyPhen-2) suggests that this variant is likely to be disruptive. In summary, the available evidence is currently insufficient to determine the role of this variant in disease. Therefore, it has been classified as a Variant of Uncertain Significance.

NM_182493.3(MYLK3):c.1909C>T (p.Leu637Phe)

Gene: MYLK3 (myosin light chain kinase 3; minus strand). Cytogenetic location: 16q11.2.
Variant type: single nucleotide variant.
Coding change: c.1909C>T on transcript NM_182493.3 (MANE Select); coding-DNA position 1909, C replaced by T.
Protein change: p.Leu637Phe; replaces leucine 637 with phenylalanine.
Molecular consequence: missense variant.
Genome position (GRCh38, 1-based): chr16:46,727,241, G>A on the plus strand (C>T on the coding strand, the complement: MYLK3 is on the minus strand). VCF-style: chr16-46727241-G-A. GRCh37 (hg19) VCF-style: chr16-46761153-G-A.
Other names: c.886C>T, p.Leu296Phe (NM_001308301.1); short protein forms L637F, L296F.
Identifiers: ClinVar variation 3681084 (VCV003681084.2).